The following is an entry in ClinVar:

ClinVar aggregate classification (germline): Conflicting classifications of pathogenicity. Review status: criteria provided, conflicting classifications (1 of 4 stars). 2 submissions from 2 submitters: Likely pathogenic (1); Uncertain significance (1). Last evaluated 2026-08-28.

Conditions:
Hereditary cancer-predisposing syndrome. Also called: Tumor predisposition; Hereditary Cancer Syndrome; Hereditary neoplastic syndrome; Neoplastic Syndromes, Hereditary. Identifiers: Orphanet 140162, MedGen C0027672, MeSH D009386, MONDO:0015356.
Mitochondrial complex II deficiency, nuclear type 1. Also called: SUCCINATE CoQ REDUCTASE DEFICIENCY. Identifiers: Orphanet 3208, MedGen C5700310, MONDO:0100294, OMIM 252011.
Pheochromocytoma/paraganglioma syndrome 5. Also called: Paragangliomas 5; SDHA-Related Hereditary Paraganglioma-Pheochromocytoma Syndrome. Identifiers: Orphanet 29072, MedGen C3279992, MONDO:0013602, OMIM 614165.

Submissions (2):

Ambry Genetics
Classification: Likely pathogenic for Hereditary cancer-predisposing syndrome. Last evaluated: 2026-08-28. Review status: criteria provided, single submitter. Criteria: Ambry Variant Classification Scheme 2023. Collection method: clinical testing. Allele origin: germline.
Comment: The c.308_309delCAinsTG variant (also known as p.A103V), located in coding exon 3 of the SDHA gene, results from an in-frame deletion of CA and insertion of TG at nucleotide positions 308 to 309. The alanine at codon 103 is replaced by valine, an amino acid with similar properties. This variant was reported in multiple individuals with features consistent with SDHA-related paraganglioma-pheochromocytoma syndrome (Ben Aim L et al. J Med Genet, 2019 Aug;56:513-520; Ambry internal data). Based on internal structural analysis, this variant replaces a small side chain with a bulkier one into the FAD-binding pocket of SDHA, possibly disrupting the orientation of the functionally critical flavin group (Takeo S et al. Mol. Biochem. Parasitol., 2000 Apr;107:191-205; Sun F et al. Cell, 2005 Jul;121:1043-57; Inaoka DK et al. Int J Mol Sci, 2015 Jul;16:15287-308). This amino acid position is highly conserved in available vertebrate species. In addition, this alteration is predicted to be deleterious by in silico analysis. This variant is considered to be rare based on population cohorts in the Genome Aggregation Database (gnomAD). Based on the majority of available evidence to date, this variant is likely to be pathogenic.

Labcorp Genetics (formerly Invitae), Labcorp
Classification: Uncertain significance for Pheochromocytoma/paraganglioma syndrome 5; Mitochondrial complex II deficiency, nuclear type 1. Last evaluated: 2024-07-02. Review status: criteria provided, single submitter. Criteria: Invitae Variant Classification Sherloc (09022015). Collection method: clinical testing. Allele origin: germline.
Comment: This sequence change replaces alanine, which is neutral and non-polar, with valine, which is neutral and non-polar, at codon 103 of the SDHA protein (p.Ala103Val). Information on the frequency of this variant in the gnomAD database is not available, as this variant may be reported differently in the database. This missense change has been observed in individual(s) with paraganglioma-pheochromocytoma syndromes (PMID: 30877234). ClinVar contains an entry for this variant (Variation ID: 1013909). An algorithm developed to predict the effect of missense changes on protein structure and function (PolyPhen-2) suggests that this variant is likely to be disruptive. In summary, the available evidence is currently insufficient to determine the role of this variant in disease. Therefore, it has been classified as a Variant of Uncertain Significance.

Literature cited by the submitters: PubMed 10779596 (cited by Ambry Genetics); PubMed 15989954 (cited by Ambry Genetics); PubMed 26198225 (cited by Ambry Genetics); PubMed 30877234 (cited by Ambry Genetics and Labcorp Genetics (formerly Invitae), Labcorp).

NM_004168.4(SDHA):c.308_309inv (p.Ala103Val)

Gene: SDHA (succinate dehydrogenase complex flavoprotein subunit A; plus strand). Cytogenetic location: 5p15.33.
Variant type: Inversion.
Coding change: c.308_309inv on transcript NM_004168.4 (MANE Select).
Protein change: p.Ala103Val; replaces alanine 103 with valine.
Molecular consequence: missense variant.
Genome position: GRCh38 VCF-style: chr5-224517-CA-TG. GRCh37 (hg19) VCF-style: chr5-224632-CA-TG.
Other names: c.308_309inv, p.Ala103Val (NM_001294332.2, NM_001330758.2); short protein forms A103V.
Identifiers: ClinVar variation 1013909 (VCV001013909.11), ClinGen allele CA2499217816.